The following is an entry in ClinVar:

NM_001868.4(CPA1):c.1211G>T (p.Trp404Leu)

Gene: CPA1 (carboxypeptidase A1; plus strand). Cytogenetic location: 7q32.2.
Variant type: single nucleotide variant.
Coding change: c.1211G>T on transcript NM_001868.4 (MANE Select); coding-DNA position 1211, G replaced by T.
Protein change: p.Trp404Leu; replaces tryptophan 404 with leucine.
Molecular consequence: missense variant.
Genome position (GRCh38, 1-based): chr7:130,387,962, G>T. VCF-style: chr7-130387962-G-T. GRCh37 (hg19) VCF-style: chr7-130027803-G-T.
Other names: short protein forms W404L.
Identifiers: ClinVar variation 1750529 (VCV001750529.3), dbSNP rs2536015559, ClinGen allele CA369284528.

ClinVar aggregate classification (germline): Uncertain significance (1 of 4 stars; one submission).

Conditions:
Hereditary pancreatitis (PCTT). Also called: Hereditary chronic pancreatitis; PRSS1-Related Hereditary Pancreatitis. Identifiers: Orphanet 676, MedGen C0238339, MONDO:0008185, OMIM 167800.

Submission:

Ambry Genetics
Classification: Uncertain significance for Hereditary pancreatitis. Last evaluated: 2024-05-25. Review status: criteria provided, single submitter. Criteria: Ambry Variant Classification Scheme 2023. Collection method: clinical testing. Allele origin: germline.
Comment: The p.W404L variant (also known as c.1211G>T), located in coding exon 10 of the CPA1 gene, results from a G to T substitution at nucleotide position 1211. The tryptophan at codon 404 is replaced by leucine, an amino acid with similar properties. This amino acid position is conserved. In addition, the in silico prediction for this alteration is inconclusive. Since supporting evidence is limited at this time, the clinical significance of this alteration remains unclear.